The following is an entry in ClinVar:

ClinVar aggregate classification (germline): Uncertain significance (1 of 4 stars; one submission).

Conditions:
Encephalopathy, acute, infection-induced (herpes-specific), susceptibility to, 1. Also called: Herpes simplex encephalitis, susceptibility to, 1. Identifiers: Orphanet 1930, MedGen C2750180, MONDO:0024563, OMIM 610551.

Submission:

Labcorp Genetics (formerly Invitae), Labcorp
Classification: Uncertain significance for Encephalopathy, acute, infection-induced (herpes-specific), susceptibility to, 1. Last evaluated: 2023-10-14. Review status: criteria provided, single submitter. Criteria: Invitae Variant Classification Sherloc (09022015). Collection method: clinical testing. Allele origin: germline.
Comment: This sequence change creates a premature translational stop signal (p.Leu381Profs*19) in the TLR3 gene. It is expected to result in an absent or disrupted protein product. However, the current clinical and genetic evidence is not sufficient to establish whether loss-of-function variants in TLR3 cause disease. This variant is not present in population databases (gnomAD no frequency). This variant has not been reported in the literature in individuals affected with TLR3-related conditions. In summary, the available evidence is currently insufficient to determine the role of this variant in disease. Therefore, it has been classified as a Variant of Uncertain Significance.

NM_003265.3(TLR3):c.1141dup (p.Leu381fs)

Gene: TLR3 (toll like receptor 3; plus strand). Cytogenetic location: 4q35.1.
Variant type: Duplication.
Coding change: c.1141dup on transcript NM_003265.3 (MANE Select); coding-DNA position 1141, one base duplicated (C; older notation c.1141dupC).
Protein change: p.Leu381fs; shifts the reading frame from leucine 381.
Molecular consequence: frameshift variant.
Genome position (GRCh38, 1-based): chr4:186,082,827, C duplicated; the last of 2 consecutive C bases (chr4:186,082,826-186,082,827); duplicating either gives the same sequence. VCF-style (leftmost placement, unchanged base first): chr4-186082825-A-AC. GRCh37 (hg19) VCF-style: chr4-187003979-A-AC.
Other names: short protein forms L381fs.
Identifiers: ClinVar variation 2768451 (VCV002768451.3), dbSNP rs2478225692, ClinGen allele CA2697547008.
Genomic context (GRCh38, chr4:186,082,825, plus strand): 5'-TTAACATGGAAGATAATGATATTCCAGGCATAAAAAGCAATATGTTCACAGGATTGATAA[A>AC]CCTGAAATACTTAAGTCTATCCAACTCCTTTACAAGTTTGCGAACTTTGACAAATGAAAC-3'